The following is an entry in ClinVar:

ClinVar aggregate classification (germline): Uncertain significance (1 of 4 stars; one submission).

Conditions:
Inborn genetic diseases. Identifiers: MedGen C0950123, MeSH D030342.

Submission:

Ambry Genetics
Classification: Uncertain significance for Inborn genetic diseases. Last evaluated: 2025-12-12. Review status: criteria provided, single submitter. Criteria: Ambry Variant Classification Scheme 2023. Collection method: clinical testing. Allele origin: germline.
Comment: The p.V24F variant (also known as c.70G>T), located in coding exon 1 of the FANCG gene, results from a G to T substitution at nucleotide position 70. The valine at codon 24 is replaced by phenylalanine, an amino acid with highly similar properties. This amino acid position is conserved. In addition, this alteration is predicted to be deleterious by in silico analysis. Based on the available evidence, the clinical significance of this variant remains unclear.

NM_004629.2(FANCG):c.70G>T (p.Val24Phe)

Gene: FANCG (FA complementation group G; minus strand). Cytogenetic location: 9p13.3.
Variant type: single nucleotide variant.
Coding change: c.70G>T on transcript NM_004629.2 (MANE Select); coding-DNA position 70, G replaced by T.
Protein change: p.Val24Phe; replaces valine 24 with phenylalanine.
Molecular consequence: missense variant.
Genome position (GRCh38, 1-based): chr9:35,079,455, C>A on the plus strand (G>T on the coding strand, the complement: FANCG is on the minus strand). VCF-style: chr9-35079455-C-A. GRCh37 (hg19) VCF-style: chr9-35079452-C-A.
Other names: short protein forms V24F.
Identifiers: ClinVar variation 4619405 (VCV004619405.1).